The following is an entry in ClinVar:

ClinVar aggregate classification (germline): Conflicting classifications of pathogenicity. Review status: criteria provided, conflicting classifications (1 of 4 stars). 7 submissions from 7 submitters: Uncertain significance (1); Benign (2); Likely benign (3). 1 of the submissions does not count toward it. Last evaluated 2026-09-11.

Conditions:
TSC2-related disorder. Also called: TSC2-Related Disorders; TSC2-related condition.
Hereditary cancer-predisposing syndrome. Also called: Hereditary Cancer Syndrome; Neoplastic Syndromes, Hereditary; Hereditary neoplastic syndrome; Tumor predisposition. Identifiers: Orphanet 140162, MedGen C0027672, MeSH D009386, MONDO:0015356.
Tuberous sclerosis syndrome (TSC). Also called: Tuberous Sclerosis Complex; Tuberous sclerosis. Identifiers: Orphanet 805, MedGen C0041341, MONDO:0001734.
Tuberous sclerosis 2 (TSC2). Identifiers: Orphanet 805, MedGen C1860707, MONDO:0013199, OMIM 613254.

Allele frequency attached by ClinVar (database versions not stated): gnomAD 0.00003; TOPMed 0.00006; ESP Exome Variant Server 0.00015.
gnomAD v4.1: 14 of 1,612,842 alleles (0.00087%); highest among the groups gnomAD compares: African/African-American, 0.0053%; no homozygotes.

Submissions (7):

PreventionGenetics, part of Exact Sciences
Classification: Likely benign for TSC2-related condition. Last evaluated: 2026-09-11. Review status: criteria provided, single submitter. Criteria: ACMG Guidelines, 2015. Collection method: clinical testing. Allele origin: germline.
Comment: This variant is classified as likely benign based on ACMG/AMP sequence variant interpretation guidelines (Richards et al. 2015 PMID: 25741868, with internal and published modifications).

Labcorp Genetics (formerly Invitae), Labcorp
Classification: Benign for Tuberous sclerosis 2. Last evaluated: 2026-02-03. Review status: criteria provided, single submitter. Criteria: Invitae Variant Classification Sherloc (09022015). Collection method: clinical testing. Allele origin: germline.

Myriad Genetics, Inc.
Classification: Likely benign for Tuberous sclerosis 2. Last evaluated: 2024-08-16. Review status: criteria provided, single submitter. Criteria: Myriad Autosomal Dominant, Autosomal Recessive and X-Linked Classification Criteria (2023). Collection method: clinical testing. Allele origin: unknown.
Comment: This variant is considered likely benign. This variant has been observed at a population frequency that is significantly greater than expected given the associated disease prevalence and penetrance.

Color Diagnostics, LLC DBA Color Health
Classification: Uncertain significance for Tuberous sclerosis syndrome. Last evaluated: 2024-04-24. Review status: criteria provided, single submitter. Criteria: ACMG Guidelines, 2015. Collection method: clinical testing. Allele origin: germline.
Comment: This missense variant replaces arginine with leucine at codon 1159 of the TSC2 protein. Computational prediction suggests that this variant may not impact protein structure and function. To our knowledge, functional studies have not been reported for this variant. This variant has not been reported in individuals affected with TSC2-related disorders in the literature. This variant has been identified in 6/281276 chromosomes in the general population by the Genome Aggregation Database (gnomAD). The available evidence is insufficient to determine the role of this variant in disease conclusively. Therefore, this variant is classified as a Variant of Uncertain Significance.

Genome-Nilou Lab
Classification: Benign for Tuberous sclerosis 2. Last evaluated: 2021-11-07. Review status: criteria provided, single submitter. Criteria: ACMG Guidelines, 2015. Collection method: clinical testing. Allele origin: germline. Affected: no.

Ambry Genetics
Classification: Likely benign for Hereditary cancer-predisposing syndrome. Last evaluated: 2019-03-07. Review status: criteria provided, single submitter. Criteria: Ambry Variant Classification Scheme 2023. Collection method: clinical testing. Allele origin: germline.

Tuberous sclerosis database (TSC2)
No classification provided. Condition: TSC. Review status: no classification provided. Criteria: Tuberous Sclerosis Database Assertion Criteria 2015. Collection method: curation. Allele origin: germline. Affected: yes. Not counted in ClinVar's aggregate classification.

NM_000548.5(TSC2):c.3476G>T (p.Arg1159Leu)

Gene: TSC2 (TSC complex subunit 2; plus strand). Cytogenetic location: 16p13.3.
Variant type: single nucleotide variant.
Coding change: c.3476G>T on transcript NM_000548.5 (MANE Select); coding-DNA position 3476, G replaced by T.
Protein change: p.Arg1159Leu; replaces arginine 1159 with leucine.
Molecular consequence: missense variant.
Genome position (GRCh38, 1-based): chr16:2,080,243, G>T. VCF-style: chr16-2080243-G-T. GRCh37 (hg19) VCF-style: chr16-2130244-G-T.
Other names: c.3344G>T, p.Arg1115Leu (NM_001077183.3, NM_001370404.1); c.3476G>T, p.Arg1159Leu (NM_001114382.3); c.3236G>T, p.Arg1079Leu (NM_001318827.2); c.3200G>T, p.Arg1067Leu (NM_001318829.2); c.2744G>T, p.Arg915Leu (NM_001318831.2); c.3377G>T, p.Arg1126Leu (NM_001318832.2); c.3347G>T, p.Arg1116Leu (NM_001363528.2, NM_001370405.1, NM_021055.3); c.3476G>T (NM_000548.4); short protein forms R1159L, R1126L, R915L, R1067L, R1079L, R1115L, R1116L.
Identifiers: ClinVar variation 50089 (VCV000050089.19), dbSNP rs45473098, ClinGen allele CA019201.
Genomic context (GRCh38, chr16:2,080,243, plus strand): 5'-TTGGCGCCCTGGACGTGCCGGCCTCCCAGTTCCTGGGCAGTGCCACTTCTCCAGGACCAC[G>T]GACTGCACCAGCCGCGAAACCTGAGAAGGCCTCAGCTGGCACCCGGGTTCCTGTGCAGGA-3'
Protein context (NP_000539.2, residues 1149-1169): FLGSATSPGP[Arg1159Leu]TAPAAKPEKA